The following is an entry in ClinVar:

NM_000093.5(COL5A1):c.1989+5G>A

Gene: COL5A1 (collagen type V alpha 1 chain; plus strand). Cytogenetic location: 9q34.3.
Variant type: single nucleotide variant.
Coding change: c.1989+5G>A on transcript NM_000093.5 (MANE Select); 5 bases into the intron after coding-DNA position 1989, G replaced by A.
Molecular consequence: intron variant.
Genome position (GRCh38, 1-based): chr9:134,761,983, G>A. VCF-style: chr9-134761983-G-A. GRCh37 (hg19) VCF-style: chr9-137653829-G-A.
Other names: c.1989+5G>A (NM_001278074.1).
Identifiers: ClinVar variation 4279777 (VCV004279777.1).

ClinVar aggregate classification (germline): Uncertain significance (1 of 4 stars; one submission).

Conditions:
Ehlers-Danlos syndrome, classic type, 1 (EDSCL1). Also called: EHLERS-DANLOS SYNDROME, GRAVIS TYPE; EHLERS-DANLOS SYNDROME, SEVERE CLASSIC TYPE; Ehlers-Danlos syndrome, type 1; Ehlers-Danlos Syndrome, Classic Type, COL5A1-Related; EDS I. Identifiers: MedGen C0268335, MONDO:0019567, OMIM 130000.

gnomAD v4.1: 1 of 1,613,308 alleles (0.000062%); highest among the groups gnomAD compares: African/African-American, 0.0013%; no homozygotes.

Submission:

Clinical Genomics Laboratory, Washington University in St. Louis
Classification: Uncertain significance for Ehlers-Danlos syndrome, classic type, 1. Last evaluated: 2025-05-15. Review status: criteria provided, single submitter. Criteria: ACMG Guidelines, 2015. Collection method: clinical testing. Allele origin: germline.
Comment: The COL5A1 c.1989+5G>A variant, to our knowledge, has not been reported in the medical literature. This variant is absent from the general population (gnomAD v.2.1.1), indicating it is not a common variant. Computational predictors indicate that this variant would alter splicing, evidence that correlates to an impact of this variant's COL5A1 function. Due to limited information, and based on ACMG/AMP guidelines for variant interpretation (Richards S et al., PMID: 25741868), the clinical significance of this variant is uncertain at this time.